The following is an entry in ClinVar:

NM_000059.4(BRCA2):c.4891A>T (p.Lys1631Ter)

Gene: BRCA2 (BRCA2 DNA repair associated; plus strand). Cytogenetic location: 13q13.1.
Variant type: single nucleotide variant.
Coding change: c.4891A>T on transcript NM_000059.4 (MANE Select); coding-DNA position 4891, A replaced by T.
Protein change: p.Lys1631Ter; replaces lysine 1631 with a stop codon.
Molecular consequence: nonsense. On other transcripts: non-coding transcript variant (1), intron variant (2).
Genome position (GRCh38, 1-based): chr13:32,339,246, A>T. VCF-style: chr13-32339246-A-T. GRCh37 (hg19) VCF-style: chr13-32913383-A-T.
Other names: c.4891A>T, p.Lys1631Ter (NM_001406719.1, NM_001406720.1, NM_001432077.1); c.1910-5312A>T (NM_001406721.1); c.425-5312A>T (NM_001406722.1); short protein forms K1631*.
Identifiers: ClinVar variation 4724011 (VCV004724011.1).

ClinVar aggregate classification (germline): Pathogenic (1 of 4 stars; one submission).

Conditions:
Hereditary breast ovarian cancer syndrome. Also called: Hereditary breast and ovarian cancer syndrome; Hereditary breast and ovarian cancer syndrome (HBOC); Breast and ovarian cancer; BRCA1- and BRCA2-Associated Hereditary Breast and Ovarian Cancer; Hereditary breast and/or ovarian cancer syndrome; Hereditary breast and ovarian cancer. Identifiers: Orphanet 145, MedGen C0677776, MeSH D061325, MONDO:0003582. Disease mechanism: loss of function.

Submission:

Labcorp Genetics (formerly Invitae), Labcorp
Classification: Pathogenic for Hereditary breast ovarian cancer syndrome. Last evaluated: 2025-07-27. Review status: criteria provided, single submitter. Criteria: Invitae Variant Classification Sherloc (09022015). Collection method: clinical testing. Allele origin: germline.
Comment: This sequence change creates a premature translational stop signal (p.Lys1631*) in the BRCA2 gene. It is expected to result in an absent or disrupted protein product. Loss-of-function variants in BRCA2 are known to be pathogenic (PMID: 20104584). This variant is not present in population databases (gnomAD no frequency). This variant has not been reported in the literature in individuals affected with BRCA2-related conditions. For these reasons, this variant has been classified as Pathogenic.

Literature cited by the submitters: PubMed 20104584.